The following is an entry in ClinVar:

NM_014000.3(VCL):c.499+5G>T

Gene: VCL (vinculin; plus strand). Cytogenetic location: 10q22.2.
Variant type: single nucleotide variant.
Coding change: c.499+5G>T on transcript NM_014000.3 (MANE Select); 5 bases into the intron after coding-DNA position 499, G replaced by T.
Molecular consequence: intron variant.
Genome position (GRCh38, 1-based): chr10:74,071,088, G>T. VCF-style: chr10-74071088-G-T. GRCh37 (hg19) VCF-style: chr10-75830846-G-T.
Other names: c.499+5G>T (NM_003373.4).
Identifiers: ClinVar variation 3625725 (VCV003625725.2).
Genomic context (GRCh38, chr10:74,071,088, plus strand): 5'-AGAGGTGGTGGAGACTATGGAAGATTTGGTCACTTACACAAAGAATCTTGGGCCAGGTTA[G>T]TTTTATCCAATTTCTATAACATTTTTTAAGGATTGTCCATGTTGGAGCCAAAGGAAAGGG-3'

ClinVar aggregate classification (germline): Uncertain significance (1 of 4 stars; one submission).

Conditions:
Dilated cardiomyopathy 1W (CMD1W). Identifiers: Orphanet 154, MedGen C1969639, MONDO:0012667, OMIM 611407.

Submission:

Labcorp Genetics (formerly Invitae), Labcorp
Classification: Uncertain significance for Dilated cardiomyopathy 1W. Last evaluated: 2024-09-23. Review status: criteria provided, single submitter. Criteria: Invitae Variant Classification Sherloc (09022015). Collection method: clinical testing. Allele origin: germline.
Comment: This sequence change falls in intron 4 of the VCL gene. It does not directly change the encoded amino acid sequence of the VCL protein. It affects a nucleotide within the consensus splice site. This variant is not present in population databases (gnomAD no frequency). This variant has not been reported in the literature in individuals affected with VCL-related conditions. Variants that disrupt the consensus splice site are a relatively common cause of aberrant splicing (PMID: 17576681, 9536098). Algorithms developed to predict the effect of sequence changes on RNA splicing suggest that this variant may disrupt the consensus splice site. In summary, the available evidence is currently insufficient to determine the role of this variant in disease. Therefore, it has been classified as a Variant of Uncertain Significance.

Literature cited by the submitters: PubMed 17576681; PubMed 9536098.